The following is an entry in ClinVar:

NM_001005242.3(PKP2):c.964G>T (p.Gly322Cys)

Gene: PKP2 (plakophilin 2; minus strand). Cytogenetic location: 12p11.21.
Variant type: single nucleotide variant.
Coding change: c.964G>T on transcript NM_001005242.3 (MANE Select); coding-DNA position 964, G replaced by T.
Protein change: p.Gly322Cys; replaces glycine 322 with cysteine.
Molecular consequence: missense variant.
Genome position (GRCh38, 1-based): chr12:32,877,916, C>A on the plus strand (G>T on the coding strand, the complement: PKP2 is on the minus strand). VCF-style: chr12-32877916-C-A. GRCh37 (hg19) VCF-style: chr12-33030850-C-A.
Other names: p.G322C:GGC>TGC; c.964G>T, p.Gly322Cys (NM_004572.4); short protein forms G322C.
Identifiers: ClinVar variation 201978 (VCV000201978.30), dbSNP rs200069860, ClinGen allele CA012595.

ClinVar aggregate classification (germline): Likely benign. Review status: criteria provided, multiple submitters, no conflicts (2 of 4 stars). 9 submissions from 9 submitters: Likely benign (8). 1 of the submissions does not count toward it. Last evaluated 2026-05-01.

Conditions:
PKP2-related disorder. Also called: PKP2-related condition.
Cardiovascular phenotype. Identifiers: MedGen CN230736.
Cardiomyopathy (CMYO). Also called: Cardiomyopathies. Identifiers: Orphanet 167848, MedGen C0878544, MONDO:0004994, HP:0001638. Inheritance: Various modes of inheritance.
Arrhythmogenic right ventricular cardiomyopathy (ARVD). Also called: Cardiomyopathy, ARVC; Arrhythmogenic right ventricular dysplasia; Arrhythmogenic cardiomyopathy; Arrhythmogenic Right Ventricular Cardiomyopathy (ARVC). Identifiers: Orphanet 247, MedGen C0349788, MeSH D019571, MONDO:0016587. Disease mechanism: loss of function. Inheritance: Various modes of inheritance.
Amyloidosis, hereditary systemic 1 (AMYLD1). Also called: AMYLOID CARDIOMYOPATHY; Hereditary Transthyretin Amyloidosis; Isolated Cardiac Amyloidosis; Amyloid Cardiomyopathy, Transthyretin-related; Familial amyloid polyneuropathy; Transthyretin Amyloidosis. Identifiers: Orphanet 85447, Orphanet 85451, MedGen C2751492, MONDO:0971004, OMIM 105210.
Arrhythmogenic right ventricular dysplasia 9 (ARVD9). Also called: Arrhythmogenic Right Ventricular Dysplasia/Cardiomyopathy 9; ARRHYTHMOGENIC RIGHT VENTRICULAR DYSPLASIA, FAMILIAL, 9. Identifiers: MedGen C1836906, MONDO:0012180, OMIM 609040.

Allele frequency attached by ClinVar (database versions not stated): ESP Exome Variant Server 0.00023; TOPMed 0.00023; 1000 Genomes Project 30x 0.00031; 1000 Genomes Project 0.00040.
gnomAD v4.1: 89 of 1,614,134 alleles (0.0055%); highest among the groups gnomAD compares: African/African-American, 0.11%; no homozygotes.

Submissions (9):

Women's Health and Genetics/Laboratory Corporation of America, LabCorp
Classification: Likely benign. Last evaluated: 2026-05-01. Review status: criteria provided, single submitter. Criteria: LabCorp Variant Classification Summary - May 2015. Collection method: clinical testing. Allele origin: germline.
Comment: Variant summary: PKP2 c.964G>T (p.Gly322Cys) results in a non-conservative amino acid change in the encoded protein sequence. Algorithms developed to predict the effect of missense changes on protein structure and function are either unavailable or do not agree on the potential impact of this missense change. The variant allele was found at a frequency of 5.5e-05 in 1614134 control chromosomes, predominantly at a frequency of 0.0011 within the African or African-American subpopulation in the gnomAD database. The observed variant frequency within African or African-American control individuals in the gnomAD database is at the estimated maximal expected allele frequency for a pathogenic variant in PKP2 causing Cardiomyopathy phenotype (0.0011) despite a lack of applicable clinical evidence, strongly suggesting that the variant is a benign polymorphism found primarily in populations of African or African-American origin. c.964G>T has been reported in the literature as a VUS in settings of multigene panel testing in at-least one individual with unexplained cardiac arrest and in another individual with hypertrophic cardiomyopathy (HCM) (example, Mellor_2017, Lopes_2015). These report(s) do not provide unequivocal conclusions about association of the variant with PKP2-related conditions. To our knowledge, no experimental evidence demonstrating an impact on protein function has been reported. The following publications have been ascertained in the context of this evaluation (PMID: 25351510, 28600387). ClinVar contains an entry for this variant (Variation ID: 201978). Based on the evidence outlined above, the variant was classified as likely benign.

Labcorp Genetics (formerly Invitae), Labcorp
Classification: Likely benign for Arrhythmogenic right ventricular dysplasia 9. Last evaluated: 2026-01-26. Review status: criteria provided, single submitter. Criteria: Invitae Variant Classification Sherloc (09022015). Collection method: clinical testing. Allele origin: germline.

Molecular Diagnostic Laboratory for Inherited Cardiovascular Disease, Montreal Heart Institute
Classification: Likely benign. Last evaluated: 2025-04-08. Review status: criteria provided, single submitter. Criteria: ACMG Guidelines, 2015. Collection method: clinical testing. Allele origin: germline. Affected: no.
Comment: BS1, BP6

All of Us Research Program, National Institutes of Health
Classification: Likely benign for Arrhythmogenic right ventricular cardiomyopathy. Last evaluated: 2024-08-30. Review status: criteria provided, single submitter. Criteria: ACMG Guidelines, 2015. Collection method: clinical testing. Allele origin: germline. Inheritance: Autosomal dominant inheritance. Observed: 26 variant alleles, 26 heterozygotes.
Comment: This study involves interpretation of variants in research participants for the purpose of population health screening. Participant phenotype was not available at the time of variant classification. Additional details can be found in publication PMID: 35346344, PMCID: PMC8962531

Ambry Genetics
Classification: Likely benign for Cardiovascular phenotype. Last evaluated: 2021-06-04. Review status: criteria provided, single submitter. Criteria: Ambry Variant Classification Scheme 2023. Collection method: clinical testing. Allele origin: germline.

Color Diagnostics, LLC DBA Color Health
Classification: Likely benign for Cardiomyopathy. Last evaluated: 2020-03-05. Review status: criteria provided, single submitter. Criteria: ACMG Guidelines, 2015. Collection method: clinical testing. Allele origin: germline.

GeneDx
Classification: Likely benign. Last evaluated: 2019-08-30. Review status: criteria provided, single submitter. Criteria: GeneDx Variant Classification Process June 2021. Collection method: clinical testing. Allele origin: germline. Affected: yes.

Center for Advanced Laboratory Medicine, UC San Diego Health, University of California San Diego
Classification: Likely benign for Hereditary transthyretin amyloidosis. Last evaluated: 2019-05-20. Review status: criteria provided, single submitter. Criteria: ACMG Guidelines, 2015. Collection method: clinical testing. Allele origin: germline. Affected: yes. Observed: 1 variant allele.

PreventionGenetics, part of Exact Sciences
Classification: Likely benign for PKP2-related condition. Last evaluated: 2024-08-26. Review status: no assertion criteria provided. Collection method: clinical testing. Allele origin: germline. Not counted in ClinVar's aggregate classification.
Comment: This variant is classified as likely benign based on ACMG/AMP sequence variant interpretation guidelines (Richards et al. 2015 PMID: 25741868, with internal and published modifications).

Literature cited by the submitters: PubMed 25351510 (cited by Women's Health and Genetics/Laboratory Corporation of America, LabCorp and Ambry Genetics); PubMed 28600387 (cited by Women's Health and Genetics/Laboratory Corporation of America, LabCorp and Ambry Genetics); PubMed 30847666 (cited by Ambry Genetics).